The following is an entry in ClinVar:

ClinVar aggregate classification (germline): Uncertain significance (1 of 4 stars; one submission).

Conditions:
Brunner syndrome (BRNRS). Identifiers: Orphanet 3057, MedGen C0796275, MONDO:0010379, OMIM 300615.

Allele frequency attached by ClinVar (database versions not stated): TOPMed 0.00001; gnomAD 0.00001; ExAC 0.00001.
gnomAD v4.1: 24 of 1,208,297 alleles (0.002%); highest among the groups gnomAD compares: Admixed American, 0.0066%; no homozygotes.

Submission:

Labcorp Genetics (formerly Invitae), Labcorp
Classification: Uncertain significance for Brunner syndrome. Last evaluated: 2022-10-25. Review status: criteria provided, single submitter. Criteria: Invitae Variant Classification Sherloc (09022015). Collection method: clinical testing. Allele origin: germline.
Comment: In summary, the available evidence is currently insufficient to determine the role of this variant in disease. Therefore, it has been classified as a Variant of Uncertain Significance. Algorithms developed to predict the effect of sequence changes on RNA splicing suggest that this variant may create or strengthen a splice site. Advanced modeling of protein sequence and biophysical properties (such as structural, functional, and spatial information, amino acid conservation, physicochemical variation, residue mobility, and thermodynamic stability) has been performed at Invitae for this missense variant, however the output from this modeling did not meet the statistical confidence thresholds required to predict the impact of this variant on MAOA protein function. This variant has not been reported in the literature in individuals affected with MAOA-related conditions. This variant is present in population databases (rs765118799, gnomAD 0.008%). This sequence change replaces arginine, which is basic and polar, with glutamine, which is neutral and polar, at codon 217 of the MAOA protein (p.Arg217Gln).

NM_000240.4(MAOA):c.650G>A (p.Arg217Gln)

Gene: MAOA (monoamine oxidase A; plus strand). Cytogenetic location: Xp11.3.
Variant type: single nucleotide variant.
Coding change: c.650G>A on transcript NM_000240.4 (MANE Select); coding-DNA position 650, G replaced by A.
Protein change: p.Arg217Gln; replaces arginine 217 with glutamine.
Molecular consequence: missense variant.
Genome position (GRCh38, 1-based): chrX:43,731,245, G>A. VCF-style: chrX-43731245-G-A. GRCh37 (hg19) VCF-style: chrX-43590492-G-A.
Other names: c.251G>A, p.Arg84Gln (NM_001270458.2); short protein forms R217Q, R84Q.
Identifiers: ClinVar variation 2074487 (VCV002074487.4), dbSNP rs765118799, ClinGen allele CA10390818.